The following is an entry in ClinVar:

ClinVar aggregate classification (germline): Uncertain significance (1 of 4 stars; one submission).

Conditions:
Treacher Collins syndrome 1 (TCS1). Also called: TCOF1-Related Treacher Collins Syndrome. Identifiers: Orphanet 861, MedGen CN315775, MONDO:0007944, OMIM 154500.

gnomAD v4.1: 5 of 1,614,090 alleles (0.00031%); highest among the groups gnomAD compares: Admixed American, 0.0083%; no homozygotes.

Submission:

Labcorp Genetics (formerly Invitae), Labcorp
Classification: Uncertain significance for Treacher Collins syndrome 1. Last evaluated: 2025-02-11. Review status: criteria provided, single submitter. Criteria: Invitae Variant Classification Sherloc (09022015). Collection method: clinical testing. Allele origin: germline.
Comment: This sequence change replaces alanine, which is neutral and non-polar, with serine, which is neutral and polar, at codon 263 of the TCOF1 protein (p.Ala263Ser). This variant is present in population databases (no rsID available, gnomAD 0.006%). This variant has not been reported in the literature in individuals affected with TCOF1-related conditions. An algorithm developed to predict the effect of missense changes on protein structure and function (PolyPhen-2) suggests that this variant is likely to be disruptive. In summary, the available evidence is currently insufficient to determine the role of this variant in disease. Therefore, it has been classified as a Variant of Uncertain Significance.

NM_001371623.1(TCOF1):c.787G>T (p.Ala263Ser)

Gene: TCOF1 (treacle ribosome biogenesis factor 1; plus strand). Cytogenetic location: 5q32.
Variant type: single nucleotide variant.
Coding change: c.787G>T on transcript NM_001371623.1 (MANE Select); coding-DNA position 787, G replaced by T.
Protein change: p.Ala263Ser; replaces alanine 263 with serine.
Molecular consequence: missense variant. On other transcripts: intron variant (3).
Genome position (GRCh38, 1-based): chr5:150,372,153, G>T. VCF-style: chr5-150372153-G-T. GRCh37 (hg19) VCF-style: chr5-149751716-G-T.
Other names: c.787G>T, p.Ala263Ser (NM_001008657.3, NM_001135243.2, NM_001135244.2 and 1 more transcripts); c.640-2021G>T (NM_001437406.1, NM_001135245.2, NM_000356.4); short protein forms A263S.
Identifiers: ClinVar variation 4708260 (VCV004708260.1).